The following is an entry in ClinVar:

ClinVar aggregate classification (germline): Benign (1 of 4 stars; one submission).

Allele frequency attached by ClinVar (database versions not stated): 1000 Genomes Project 0.00280; 1000 Genomes Project 30x 0.00328; gnomAD 0.00770; TOPMed 0.00789.
gnomAD v4.1: 1,163 of 152,254 alleles (0.76%); highest among the groups gnomAD compares: Non-Finnish European, 1.3%; 7 homozygotes.

Submission:

CeGaT Center for Human Genetics Tuebingen
Classification: Benign. Last evaluated: 2026-08-01. Review status: criteria provided, single submitter. Criteria: CeGaT Center For Human Genetics Tuebingen Variant Classification Criteria Version 2. Collection method: clinical testing. Allele origin: germline. Affected: yes. Observed: 12 variant alleles.
Comment: ETV6: BS1, BS2

NM_001987.5(ETV6):c.1010-6114G>A

Gene: ETV6 (ETS variant transcription factor 6; plus strand). Cytogenetic location: 12p13.2.
Variant type: single nucleotide variant.
Coding change: c.1010-6114G>A on transcript NM_001987.5 (MANE Select); 6114 bases into the intron before coding-DNA position 1010, G replaced by A.
Molecular consequence: intron variant.
Genome position (GRCh38, 1-based): chr12:11,878,331, G>A. VCF-style: chr12-11878331-G-A. GRCh37 (hg19) VCF-style: chr12-12031265-G-A.
Other names: c.746-6114G>A (NM_001413915.1); c.983-6114G>A (NM_001413914.1); c.1009+8362G>A (NM_001413917.1); c.1007-6114G>A (NM_001413913.1).
Identifiers: ClinVar variation 2642729 (VCV002642729.24), dbSNP rs150206595, ClinGen allele CA13759895.